The following is an entry in ClinVar:

NM_000256.3(MYBPC3):c.913_914delTT

Gene: MYBPC3 (myosin binding protein C3; minus strand). Cytogenetic location: 11p11.2.
Variant type: Deletion.
Coding change: c.913_914delTT on transcript NM_000256.3 (MANE Select); coding-DNA positions 913 to 914, 2 bases deleted (TT).
Genome position (GRCh38, 1-based): chr11:47,346,639-47,346,640, AA deleted on the plus strand (TT on the coding strand, the reverse complement: MYBPC3 is on the minus strand); deleting any 2 consecutive bases within chr11:47,346,639-47,346,641 gives the same sequence; the c. name uses the placement nearest the transcript's 3' end. VCF-style (leftmost placement, unchanged base first): chr11-47346638-GAA-G. GRCh37 (hg19) VCF-style: chr11-47368189-GAA-G.
Other names: c.913_914del, p.Phe305fs (LRG_386t1).
Identifiers: ClinVar variation 42801 (VCV000042801.39), dbSNP rs397516080, ClinGen allele CA016068.

ClinVar aggregate classification (germline): Pathogenic/Likely pathogenic. Review status: criteria provided, multiple submitters, no conflicts (2 of 4 stars). 21 submissions from 21 submitters: Pathogenic (15); Likely pathogenic (1). 5 of the submissions do not count toward it. Last evaluated 2025-12-30.

Conditions:
MYBPC3-related disorder. Also called: MYBPC3-related disorders; MYBPC3-related condition; MYBPC3-related disease.
Cardiovascular phenotype. Identifiers: MedGen CN230736.
Hypertrophic cardiomyopathy 4. Also called: Familial hypertrophic cardiomyopathy 4. Identifiers: MedGen C1861862, MONDO:0007268, OMIM 115197.
Left ventricular noncompaction 10 (LVNC10). Identifiers: Orphanet 154, Orphanet 54260, MedGen C3715165, MONDO:0014163, OMIM 615396.
Cardiomyopathy (CMYO). Also called: Cardiomyopathies. Identifiers: Orphanet 167848, MedGen C0878544, MONDO:0004994, HP:0001638. Inheritance: Various modes of inheritance.
Hypertrophic cardiomyopathy. Also called: HYPERTROPHIC MYOCARDIOPATHY. Identifiers: Orphanet 217569, MedGen C0007194, MeSH D002312, MONDO:0005045, HP:0001639.

Submissions 1 to 9 of 21:

OLLIN Analises Genomicas, OLLIN
Classification: Pathogenic for Hypertrophic cardiomyopathy 4. Last evaluated: 2025-12-30. Review status: criteria provided, single submitter. Criteria: ACMG Guidelines 2015 PMID 25741868. Collection method: clinical testing. Allele origin: germline. Affected: yes. Observed: 1 variant allele.
Comment: The frameshift variant (chr11:47346638GAA>G), located in exon 11 (of 35), is reported in ClinVar (VCV000042801.37), in gnomAD v4.1 non-UKB with an allele frequency of 0.00041%, and in the scientific literature, also segregating with the phenotype, in individuals with hypertrophic cardiomyopathy (PMID: 18533079, 20800588, 24093860, 25740977). This variant promotes a frameshift with subsequent introduction of a premature stop codon, resulting in a truncated protein or mRNA degradation via nonsense-mediated decay (NMD). According to currently available evidence and the specific ClinGen criteria for the gene (PMID: 29300372), this variant has been classified as pathogenic (PVS1, PM2_P, PP1_S).

Labcorp Genetics (formerly Invitae), Labcorp
Classification: Pathogenic for Hypertrophic cardiomyopathy. Last evaluated: 2025-09-22. Review status: criteria provided, single submitter. Criteria: Invitae Variant Classification Sherloc (09022015). Collection method: clinical testing. Allele origin: germline.
Comment: This sequence change creates a premature translational stop signal (p.Phe305Profs*27) in the MYBPC3 gene. It is expected to result in an absent or disrupted protein product. Loss-of-function variants in MYBPC3 are known to be pathogenic (PMID: 19574547). This variant is not present in population databases (gnomAD no frequency). This premature translational stop signal has been observed in individuals with hypertrophic cardiomyopathy (PMID: 18533079, 25740977, 27532257, 28794111). It has also been observed to segregate with disease in related individuals. ClinVar contains an entry for this variant (Variation ID: 42801). For these reasons, this variant has been classified as Pathogenic.

GeneDx
Classification: Pathogenic. Last evaluated: 2024-09-11. Review status: criteria provided, single submitter. Criteria: GeneDx Variant Classification Process June 2021. Collection method: clinical testing. Allele origin: germline. Affected: yes.
Comment: Frameshift variant predicted to result in protein truncation or nonsense mediated decay in a gene for which loss of function is a known mechanism of disease; Not observed in large population cohorts (gnomAD); This variant is associated with the following publications: (PMID: 18533079, 20800588, 27532257, 28794111, 31513939, 28699631, 33673806, 36788754, 37652022, 36578016, 35208637, 39160446, 38051749, 25740977)

Institute of Medical Genetics and Applied Genomics, University Hospital Tübingen
Classification: Pathogenic for Hypertrophic cardiomyopathy 4. Last evaluated: 2024-01-24. Review status: criteria provided, single submitter. Criteria: ACMG Guidelines, 2015. Collection method: clinical testing. Allele origin: germline. Inheritance: Autosomal dominant inheritance. Affected: yes.

Laboratory for Molecular Medicine, Mass General Brigham Personalized Medicine
Classification: Pathogenic for Hypertrophic cardiomyopathy. Last evaluated: 2023-10-26. Review status: criteria provided, single submitter. Criteria: ACMG Guidelines, 2015. Collection method: clinical testing. Allele origin: germline. Inheritance: Autosomal dominant inheritance.
Comment: The p.Phe305ProfsX27 in MYBPC3 has been reported in >20 individuals with hypertrophic cardiomyopathy (HCM) and segregated with >10 affected relatives from >10 families (Olivotto 2008 PMID: 18533079, Millat 2010 PMID: 20800588, Marsiglia 2013 PMID: 24093860, Calore 2015 PMID: 25740977, LMM Data). This variant has also been reported by other clinical laboratories in ClinVar (Variation ID 42801). It has been identified in 0.002% (1/67564) of European chromosomes by gnomAD (v.3.1.2). This variant is predicted to cause a frameshift, which alters the protein’s amino acid sequence beginning at position 305 and leads to a premature termination codon 27 amino acids downstream. This alteration is then predicted to lead to a truncated or absent protein. Heterozygous loss of function of the MYBPC3 gene is an established disease mechanism in autosomal dominant HCM. In summary, this variant meets criteria to be classified as pathogenic for autosomal dominant HCM. ACMG/AMP Criteria applied: PS4, PP1_Strong, PM2_Supporting, PVS1.

Blueprint Genetics
Classification: Pathogenic for MYBPC3-related disorders. Last evaluated: 2023-07-07. Review status: criteria provided, single submitter. Criteria: ACMG Guidelines, 2015. Collection method: clinical testing. Allele origin: germline. Affected: yes. Observed: 5 variant alleles.

PreventionGenetics, part of Exact Sciences
Classification: Pathogenic for MYBPC3-related condition. Last evaluated: 2023-07-06. Review status: criteria provided, single submitter. Criteria: ACMG Guidelines, 2015. Collection method: clinical testing. Allele origin: germline.
Comment: The MYBPC3 c.913_914delTT variant is predicted to result in a frameshift and premature protein termination (p.Phe305Profs*27). This variant was reported in numerous individuals with hypertrophic cardiomyopathy (Olivotto et al. 2008. PubMed ID: 18533079; Table S1B, Walsh et al. 2017. PubMed ID: 27532257; Table S1, Robyns et al. 2020. PubMed ID: 31513939), and was considered an Italian founder variant (Calore et al. 2015. PubMed ID: 25740977). This variant has not been reported in a large population database, indicating this variant is rare. Frameshift variants in MYBPC3 are expected to be pathogenic. This variant is interpreted as pathogenic.

Ambry Genetics
Classification: Pathogenic for Cardiovascular phenotype. Last evaluated: 2023-05-26. Review status: criteria provided, single submitter. Criteria: Ambry General Variant Classification Scheme_2022. Collection method: clinical testing. Allele origin: germline.
Comment: The c.913_914delTT pathogenic mutation, located in coding exon 11 of the MYBPC3 gene, results from a deletion of two nucleotides at nucleotide positions 913 to 914, causing a translational frameshift with a predicted alternate stop codon (p.F305Pfs*27). This variant has been detected in several individuals from hypertrophic cardiomyopathy cohorts, has shown segregation with disease in families, and has also been reported as an Italian founder mutation (Olivotto I et al. Mayo Clin. Proc., 2008 Jun;83:630-8; Marsiglia JD. Am. Heart J. 2013 Oct;166(4):775-82; Calore C et al. J. Med. Genet., 2015 May;52:338-47; Walsh R et al. Genet. Med., 2017 02;19:192-203). This variant is considered to be rare based on population cohorts in the Genome Aggregation Database (gnomAD). This alteration is expected to result in loss of function by premature protein truncation or nonsense-mediated mRNA decay. As such, this alteration is interpreted as a disease-causing mutation.

Victorian Clinical Genetics Services, Murdoch Childrens Research Institute
Classification: Pathogenic for Hypertrophic cardiomyopathy 4. Last evaluated: 2022-06-24. Review status: criteria provided, single submitter. Criteria: ACMG Guidelines, 2015. Collection method: clinical testing. Allele origin: germline. Affected: yes.
Comment: Based on the classification scheme VCGS_Germline_v1.3.4, this variant is classified as Pathogenic. Following criteria are met: 0102 - Loss of function is a known mechanism of disease in this gene and is associated with hypertrophic cardiomyopathy 4 (HCM; MIM#115197). (I) 0108 - This gene is associated with both recessive and dominant disease. Dominant inheritance is frequently reported in adult onset conditions, however recessive inheritance results in a more severe early onset phenotype (OMIM). (I) 0115 - Variants in this gene are known to have variable expressivity (PMID: 32841044). (I) 0201 - Variant is predicted to cause nonsense-mediated decay (NMD) and loss of protein (premature termination codon is located at least 54 nucleotides upstream of the final exon-exon junction). (SP) 0251 - This variant is heterozygous. (I) 0302 - Variant is present in gnomAD (v3) <0.001 for a dominant condition (1 heterozygote, 0 homozygotes). (SP) 0701 - Other NMD-predicted variants comparable to the one identified in this case have very strong previous evidence for pathogenicity (ClinVar, DECIPHER). (SP) 0801 - This variant has very strong previous evidence of pathogenicity in unrelated individuals (ClinVar). It has been reported as a founder mutation for HCM in an Italian cohort and was associated to an increased risk of sudden cardiac death (SCD) and aborted SCD events after the fourth decade of life (PMID: 25740977). (SP) 1208 - Inheritance information for this variant is not currently available in this individual. (I) Legend: (SP) - Supporting pathogenic, (I) - Information, (SB) - Supporting benign